The following is an entry in ClinVar:

ClinVar aggregate classification (germline): Uncertain significance. Review status: criteria provided, multiple submitters, no conflicts (2 of 4 stars). 2 submissions from 2 submitters: Uncertain significance (2). Last evaluated 2025-07-13.

Conditions:
Hereditary cancer-predisposing syndrome. Also called: Neoplastic Syndromes, Hereditary; Tumor predisposition; Hereditary neoplastic syndrome; Hereditary Cancer Syndrome. Identifiers: Orphanet 140162, MedGen C0027672, MeSH D009386, MONDO:0015356.
Cardiovascular phenotype. Identifiers: MedGen CN230736.

Allele frequency attached by ClinVar (database versions not stated): gnomAD exomes below 0.00001; TOPMed below 0.00001; gnomAD 0.00001.
gnomAD v4.1: 4 of 1,613,216 alleles (0.00025%); highest among the groups gnomAD compares: Non-Finnish European, 0.00034%; no homozygotes.

Submissions (2):

Labcorp Genetics (formerly Invitae), Labcorp
Classification: Uncertain significance. Last evaluated: 2025-07-13. Review status: criteria provided, single submitter. Criteria: Invitae Variant Classification Sherloc (09022015). Collection method: clinical testing. Allele origin: germline.
Comment: This sequence change replaces proline, which is neutral and non-polar, with leucine, which is neutral and non-polar, at codon 623 of the LZTR1 protein (p.Pro623Leu). This variant is present in population databases (no rsID available, gnomAD 0.007%). This variant has not been reported in the literature in individuals affected with LZTR1-related conditions. ClinVar contains an entry for this variant (Variation ID: 3238154). Invitae Evidence Modeling of protein sequence and biophysical properties (such as structural, functional, and spatial information, amino acid conservation, physicochemical variation, residue mobility, and thermodynamic stability) indicates that this missense variant is not expected to disrupt LZTR1 protein function with a negative predictive value of 80%. In summary, the available evidence is currently insufficient to determine the role of this variant in disease. Therefore, it has been classified as a Variant of Uncertain Significance.

Ambry Genetics
Classification: Uncertain significance for Cardiovascular phenotype; Hereditary cancer-predisposing syndrome. Last evaluated: 2023-04-08. Review status: criteria provided, single submitter. Criteria: Ambry Variant Classification Scheme 2023. Collection method: clinical testing. Allele origin: germline.
Comment: The p.P623L variant (also known as c.1868C>T), located in coding exon 16 of the LZTR1 gene, results from a C to T substitution at nucleotide position 1868. The proline at codon 623 is replaced by leucine, an amino acid with similar properties. This amino acid position is conserved. In addition, this alteration is predicted to be tolerated by in silico analysis. Since supporting evidence is limited at this time, the clinical significance of this alteration remains unclear.

NM_006767.4(LZTR1):c.1868C>T (p.Pro623Leu)

Gene: LZTR1 (leucine zipper like post translational regulator 1; plus strand). Cytogenetic location: 22q11.21.
Variant type: single nucleotide variant.
Coding change: c.1868C>T on transcript NM_006767.4 (MANE Select); coding-DNA position 1868, C replaced by T.
Protein change: p.Pro623Leu; replaces proline 623 with leucine.
Molecular consequence: missense variant.
Genome position (GRCh38, 1-based): chr22:20,994,952, C>T. VCF-style: chr22-20994952-C-T. GRCh37 (hg19) VCF-style: chr22-21349241-C-T.
Other names: short protein forms P623L.
Identifiers: ClinVar variation 3238154 (VCV003238154.2), dbSNP rs1453133601.